The following is an entry in ClinVar:

ClinVar aggregate classification (germline): Uncertain significance (1 of 4 stars; one submission).

gnomAD v4.1: 2 of 1,614,178 alleles (0.00012%); highest among the groups gnomAD compares: East Asian, 0.0022%; no homozygotes.

Submission:

Ambry Genetics
Classification: Uncertain significance. Last evaluated: 2022-07-27. Review status: criteria provided, single submitter. Criteria: Ambry Variant Classification Scheme 2023. Collection method: clinical testing. Allele origin: germline.
Comment: The p.S1141R variant (also known as c.3423C>A), located in coding exon 4 of the ALPK2 gene, results from a C to A substitution at nucleotide position 3423. The serine at codon 1141 is replaced by arginine, an amino acid with dissimilar properties. This amino acid position is conserved. In addition, this alteration is predicted to be tolerated by in silico analysis. Since supporting evidence is limited at this time, the clinical significance of this alteration remains unclear.

NM_052947.4(ALPK2):c.3423C>A (p.Ser1141Arg)

Gene: ALPK2 (alpha kinase 2; minus strand). Cytogenetic location: 18q21.31.
Variant type: single nucleotide variant.
Coding change: c.3423C>A on transcript NM_052947.4 (MANE Select); coding-DNA position 3423, C replaced by A.
Protein change: p.Ser1141Arg; replaces serine 1141 with arginine.
Molecular consequence: missense variant.
Genome position (GRCh38, 1-based): chr18:58,536,764, G>T on the plus strand (C>A on the coding strand, the complement: ALPK2 is on the minus strand). VCF-style: chr18-58536764-G-T. GRCh37 (hg19) VCF-style: chr18-56203996-G-T.
Other names: short protein forms S1141R.
Identifiers: ClinVar variation 1731289 (VCV001731289.2), dbSNP rs1454780345, ClinGen allele CA402566989.